The following is an entry in ClinVar:

ClinVar aggregate classification (germline): Uncertain significance. Review status: criteria provided, multiple submitters, no conflicts (2 of 4 stars). 3 submissions from 3 submitters: Uncertain significance (3). Last evaluated 2026-03-21.

Conditions:
Cardiovascular phenotype. Identifiers: MedGen CN230736.
DMD-related disorder. Also called: DMD-related condition.
Duchenne muscular dystrophy (DMD). Also called: Duchenne Muscular Dystrophy (DMD); MUSCULAR DYSTROPHY, PSEUDOHYPERTROPHIC PROGRESSIVE, DUCHENNE TYPE. Identifiers: Orphanet 98896, MedGen C0013264, MONDO:0010679, OMIM 310200.

Submissions (3):

Ambry Genetics
Classification: Uncertain significance for Cardiovascular phenotype. Last evaluated: 2026-03-21. Review status: criteria provided, single submitter. Criteria: Ambry Variant Classification Scheme 2023. Collection method: clinical testing. Allele origin: germline.
Comment: The p.E929G variant (also known as c.2786A>G), located in coding exon 21 of the DMD gene, results from an A to G substitution at nucleotide position 2786. The glutamic acid at codon 929 is replaced by glycine, an amino acid with similar properties. This amino acid position is conserved. In addition, this alteration is predicted to be tolerated by in silico analysis. Based on the available evidence, the clinical significance of this variant remains unclear.

PreventionGenetics, part of Exact Sciences
Classification: Uncertain significance for DMD-related condition. Last evaluated: 2025-12-22. Review status: criteria provided, single submitter. Criteria: ACMG Guidelines, 2015. Collection method: clinical testing. Allele origin: germline.
Comment: The DMD c.2786A>G variant is predicted to result in the amino acid substitution p.Glu929Gly. To our knowledge, this variant has not been reported in the literature or in a large population database (gnomAD), indicating this variant is rare. At this time, the clinical significance of this variant is uncertain due to the absence of conclusive functional and genetic evidence.

Labcorp Genetics (formerly Invitae), Labcorp
Classification: Uncertain significance for Duchenne muscular dystrophy. Last evaluated: 2025-05-11. Review status: criteria provided, single submitter. Criteria: Invitae Variant Classification Sherloc (09022015). Collection method: clinical testing. Allele origin: germline.
Comment: This sequence change replaces glutamic acid, which is acidic and polar, with glycine, which is neutral and non-polar, at codon 929 of the DMD protein (p.Glu929Gly). This variant is not present in population databases (gnomAD no frequency). This variant has not been reported in the literature in individuals affected with DMD-related conditions. ClinVar contains an entry for this variant (Variation ID: 3706190). Invitae Evidence Modeling of protein sequence and biophysical properties (such as structural, functional, and spatial information, amino acid conservation, physicochemical variation, residue mobility, and thermodynamic stability) indicates that this missense variant is not expected to disrupt DMD protein function with a negative predictive value of 95%. In summary, the available evidence is currently insufficient to determine the role of this variant in disease. Therefore, it has been classified as a Variant of Uncertain Significance.

NM_004006.3(DMD):c.2786A>G (p.Glu929Gly)

Gene: DMD (dystrophin; minus strand). Cytogenetic location: Xp21.1.
Variant type: single nucleotide variant.
Coding change: c.2786A>G on transcript NM_004006.3 (MANE Select); coding-DNA position 2786, A replaced by G.
Protein change: p.Glu929Gly; replaces glutamic acid 929 with glycine.
Molecular consequence: missense variant.
Genome position (GRCh38, 1-based): chrX:32,484,936, T>C on the plus strand (A>G on the coding strand, the complement: DMD is on the minus strand). VCF-style: chrX-32484936-T-C. GRCh37 (hg19) VCF-style: chrX-32503053-T-C.
Other names: c.2762A>G, p.Glu921Gly (NM_000109.4); c.2774A>G, p.Glu925Gly (NM_004009.3); c.2417A>G, p.Glu806Gly (NM_004010.3); short protein forms E806G, E929G, E921G, E925G.
Identifiers: ClinVar variation 3706190 (VCV003706190.4).